The following is an entry in ClinVar:

ClinVar aggregate classification (germline): Uncertain significance (1 of 4 stars; one submission).

Conditions:
Argininosuccinate lyase deficiency. Also called: Argininosuccinic aciduria; ARGININOSUCCINIC ACID LYASE DEFICIENCY; ASL DEFICIENCY. Identifiers: Orphanet 23, MedGen C0268547, MONDO:0008815, OMIM 207900, HP:0025630.

Allele frequency attached by ClinVar (database versions not stated): TOPMed 0.00002.

Submission:

Labcorp Genetics (formerly Invitae), Labcorp
Classification: Uncertain significance for Argininosuccinate lyase deficiency. Last evaluated: 2024-09-03. Review status: criteria provided, single submitter. Criteria: Invitae Variant Classification Sherloc (09022015). Collection method: clinical testing. Allele origin: germline.
Comment: This sequence change replaces serine, which is neutral and polar, with leucine, which is neutral and non-polar, at codon 133 of the ASL protein (p.Ser133Leu). This variant is present in population databases (rs748203708, gnomAD 0.003%). This variant has not been reported in the literature in individuals affected with ASL-related conditions. ClinVar contains an entry for this variant (Variation ID: 2202604). Invitae Evidence Modeling of protein sequence and biophysical properties (such as structural, functional, and spatial information, amino acid conservation, physicochemical variation, residue mobility, and thermodynamic stability) has been performed for this missense variant. However, the output from this modeling did not meet the statistical confidence thresholds required to predict the impact of this variant on ASL protein function. In summary, the available evidence is currently insufficient to determine the role of this variant in disease. Therefore, it has been classified as a Variant of Uncertain Significance.

NM_000048.4(ASL):c.398C>T (p.Ser133Leu)

Gene: ASL (argininosuccinate lyase; plus strand). Cytogenetic location: 7q11.21.
Variant type: single nucleotide variant.
Coding change: c.398C>T on transcript NM_000048.4 (MANE Select); coding-DNA position 398, C replaced by T.
Protein change: p.Ser133Leu; replaces serine 133 with leucine.
Molecular consequence: missense variant.
Genome position (GRCh38, 1-based): chr7:66,083,126, C>T. VCF-style: chr7-66083126-C-T. GRCh37 (hg19) VCF-style: chr7-65548113-C-T.
Other names: c.398C>T, p.Ser133Leu (NM_001024943.2, NM_001024944.2, NM_001024946.2); short protein forms S133L.
Identifiers: ClinVar variation 2202604 (VCV002202604.2), dbSNP rs748203708, ClinGen allele CA4276941.